The following is an entry in ClinVar:

ClinVar aggregate classification (germline): Likely pathogenic (1 of 4 stars; one submission).

Conditions:
Tuberous sclerosis 2 (TSC2). Identifiers: Orphanet 805, MedGen C1860707, MONDO:0013199, OMIM 613254.

Submission:

Labcorp Genetics (formerly Invitae), Labcorp
Classification: Likely pathogenic for Tuberous sclerosis 2. Last evaluated: 2025-03-28. Review status: criteria provided, single submitter. Criteria: Invitae Variant Classification Sherloc (09022015). Collection method: clinical testing. Allele origin: germline.
Comment: This sequence change affects a donor splice site in intron 16 of the TSC2 gene. It is expected to disrupt RNA splicing. Variants that disrupt the donor or acceptor splice site typically lead to a loss of protein function (PMID: 16199547), and loss-of-function variants in TSC2 are known to be pathogenic (PMID: 10205261, 17304050). This variant is not present in population databases (gnomAD no frequency). This variant has not been reported in the literature in individuals affected with TSC2-related conditions. Algorithms developed to predict the effect of sequence changes on RNA splicing suggest that this variant may disrupt the consensus splice site. In summary, the currently available evidence indicates that the variant is pathogenic, but additional data are needed to prove that conclusively. Therefore, this variant has been classified as Likely Pathogenic.

Literature cited by the submitters: PubMed 16199547; PubMed 10205261; PubMed 17304050.

NM_000548.5(TSC2):c.1716+2T>G

Gene: TSC2 (TSC complex subunit 2; plus strand). Cytogenetic location: 16p13.3.
Variant type: single nucleotide variant.
Coding change: c.1716+2T>G on transcript NM_000548.5 (MANE Select); the canonical splice donor site of the intron after coding-DNA position 1716, T replaced by G.
Molecular consequence: splice donor variant.
Genome position (GRCh38, 1-based): chr16:2,065,637, T>G. VCF-style: chr16-2065637-T-G. GRCh37 (hg19) VCF-style: chr16-2115638-T-G.
Other names: c.372+2T>G (NM_001406693.1, NM_001406689.1, NM_001406690.1 and 6 more transcripts); c.1806+2T>G (NM_001406667.1, NM_001406668.1); c.1116+2T>G (NM_001406680.1, NM_001406683.1, NM_001406687.1 and 6 more transcripts); c.114+2T>G (NM_001406698.1); c.1716+2T>G (NM_001114382.3, NM_001406663.1, NM_001406664.1 and 6 more transcripts); c.1704+2T>G (NM_001406671.1, NM_001406673.1); c.1254+2T>G (NM_001406681.1); c.1605+2T>G (NM_001406670.1, NM_001318827.2, NM_001406678.1); and 3 more.
Identifiers: ClinVar variation 4716218 (VCV004716218.1).